The following is an entry in ClinVar:

ClinVar aggregate classification (germline): Uncertain significance (1 of 4 stars; one submission).

Conditions:
Spastic ataxia 2. Also called: Ataxia, spastic, 2, autosomal recessive. Identifiers: Orphanet 397946, MedGen C1969796, MONDO:0012651, OMIM 611302.

Allele frequency attached by ClinVar (database versions not stated): gnomAD exomes below 0.00001 and 0.00001; gnomAD 0.00002; TOPMed 0.00002.
gnomAD v4.1: 21 of 1,610,528 alleles (0.0013%); highest among the groups gnomAD compares: Non-Finnish European, 0.0016%; no homozygotes.

Submission:

Labcorp Genetics (formerly Invitae), Labcorp
Classification: Uncertain significance for Spastic ataxia 2. Last evaluated: 2021-08-16. Review status: criteria provided, single submitter. Criteria: Invitae Variant Classification Sherloc (09022015). Collection method: clinical testing. Allele origin: germline.
Comment: This sequence change replaces alanine with threonine at codon 1093 of the KIF1C protein (p.Ala1093Thr). The alanine residue is highly conserved and there is a small physicochemical difference between alanine and threonine. This variant is not present in population databases (ExAC no frequency). This variant has not been reported in the literature in individuals with KIF1C-related conditions. Algorithms developed to predict the effect of missense changes on protein structure and function are either unavailable or do not agree on the potential impact of this missense change (SIFT: "Deleterious"; PolyPhen-2: "Possibly Damaging"; Align-GVGD: "Class C0"). In summary, the available evidence is currently insufficient to determine the role of this variant in disease. Therefore, it has been classified as a Variant of Uncertain Significance.

NM_006612.6(KIF1C):c.3277G>A (p.Ala1093Thr)

Gene: KIF1C (kinesin family member 1C; plus strand). Cytogenetic location: 17p13.2.
Variant type: single nucleotide variant.
Coding change: c.3277G>A on transcript NM_006612.6 (MANE Select); coding-DNA position 3277, G replaced by A.
Protein change: p.Ala1093Thr; replaces alanine 1093 with threonine.
Molecular consequence: missense variant.
Genome position (GRCh38, 1-based): chr17:5,024,116, G>A. VCF-style: chr17-5024116-G-A. GRCh37 (hg19) VCF-style: chr17-4927411-G-A.
Other names: short protein forms A1093T.
Identifiers: ClinVar variation 1061183 (VCV001061183.9), dbSNP rs1269241991, ClinGen allele CA397321474.